The following is an entry in ClinVar:

ClinVar aggregate classification (germline): Uncertain significance (1 of 4 stars; one submission).

Allele frequency attached by ClinVar (database versions not stated): gnomAD exomes 0.00001; ExAC 0.00003; TOPMed 0.00004; gnomAD 0.00005; ESP Exome Variant Server 0.00008; 1000 Genomes Project 30x 0.00016; 1000 Genomes Project 0.00020.

Submission:

Ambry Genetics
Classification: Uncertain significance. Last evaluated: 2024-11-30. Review status: criteria provided, single submitter. Criteria: Ambry Variant Classification Scheme 2023. Collection method: clinical testing. Allele origin: germline.
Comment: The p.H467R variant (also known as c.1400A>G), located in coding exon 2 of the CDK12 gene, results from an A to G substitution at nucleotide position 1400. The histidine at codon 467 is replaced by arginine, an amino acid with highly similar properties. This amino acid position is conserved. In addition, this alteration is predicted to be tolerated by in silico analysis. Based on the available evidence, the clinical significance of this variant remains unclear.

NM_016507.4(CDK12):c.1400A>G (p.His467Arg)

Gene: CDK12 (cyclin dependent kinase 12; plus strand). Cytogenetic location: 17q12.
Variant type: single nucleotide variant.
Coding change: c.1400A>G on transcript NM_016507.4 (MANE Select); coding-DNA position 1400, A replaced by G.
Protein change: p.His467Arg; replaces histidine 467 with arginine.
Molecular consequence: missense variant.
Genome position (GRCh38, 1-based): chr17:39,471,232, A>G. VCF-style: chr17-39471232-A-G. GRCh37 (hg19) VCF-style: chr17-37627485-A-G.
Other names: c.1400A>G, p.His467Arg (NM_015083.4); short protein forms H467R.
Identifiers: ClinVar variation 2459360 (VCV002459360.3), dbSNP rs368274174, ClinGen allele CA8531131.